The following is an entry in ClinVar:

NM_199420.4(POLQ):c.2513C>A (p.Pro838His)

Gene: POLQ (DNA polymerase theta; minus strand). Cytogenetic location: 3q13.33.
Variant type: single nucleotide variant.
Coding change: c.2513C>A on transcript NM_199420.4 (MANE Select); coding-DNA position 2513, C replaced by A.
Protein change: p.Pro838His; replaces proline 838 with histidine.
Molecular consequence: missense variant.
Genome position (GRCh38, 1-based): chr3:121,493,487, G>T on the plus strand (C>A on the coding strand, the complement: POLQ is on the minus strand). VCF-style: chr3-121493487-G-T. GRCh37 (hg19) VCF-style: chr3-121212334-G-T.
Other names: short protein forms P838H.
Identifiers: ClinVar variation 3229887 (VCV003229887.1), dbSNP rs2546790629, ClinGen allele CA354107183.

ClinVar aggregate classification (germline): Uncertain significance (1 of 4 stars; one submission).

Submission:

Ambry Genetics
Classification: Uncertain significance. Last evaluated: 2024-01-14. Review status: criteria provided, single submitter. Criteria: Ambry Variant Classification Scheme 2023. Collection method: clinical testing. Allele origin: germline.
Comment: The p.P838H variant (also known as c.2513C>A), located in coding exon 15 of the POLQ gene, results from a C to A substitution at nucleotide position 2513. The proline at codon 838 is replaced by histidine, an amino acid with similar properties. This amino acid position is conserved. In addition, the in silico prediction for this alteration is inconclusive. Since supporting evidence is limited at this time, the clinical significance of this alteration remains unclear.